The following is an entry in ClinVar:

ClinVar aggregate classification (germline): Pathogenic (1 of 4 stars; one submission).

Conditions:
Amyotrophic lateral sclerosis type 10 (ALS10). Also called: TARDBP-Related Amyotrophic Lateral Sclerosis-Frontotemporal Dementia; Amyotrophic lateral sclerosis 10, with or without FTD; AMYOTROPHIC LATERAL SCLEROSIS 10 WITH OR WITHOUT FRONTOTEMPORAL DEMENTIA; AMYOTROPHIC LATERAL SCLEROSIS 10 WITHOUT FRONTOTEMPORAL DEMENTIA AND WITH TDP43 INCLUSIONS; AMYOTROPHIC LATERAL SCLEROSIS 10 WITH OR WITHOUT FRONTOTEMPORAL DEMENTIA AND WITH TDP43 INCLUSIONS. Identifiers: Orphanet 275872, Orphanet 803, MedGen C2677565, MONDO:0012790, OMIM 612069.
FRONTOTEMPORAL LOBAR DEGENERATION WITH TDP43 INCLUSIONS, TARDBP-RELATED. Also called: Frontotemporal lobar degeneration, TARDBP-related. Identifiers: MedGen C3150169, OMIM 612069.

Allele frequency attached by ClinVar (database versions not stated): gnomAD exomes 0.00001.

Submission:

Labcorp Genetics (formerly Invitae), Labcorp
Classification: Pathogenic for Amyotrophic lateral sclerosis type 10; FRONTOTEMPORAL LOBAR DEGENERATION WITH TDP43 INCLUSIONS, TARDBP-RELATED. Last evaluated: 2022-10-07. Review status: criteria provided, single submitter. Criteria: Invitae Variant Classification Sherloc (09022015). Collection method: clinical testing. Allele origin: germline.
Comment: This variant is present in population databases (rs80356732, gnomAD 0.002%). For these reasons, this variant has been classified as Pathogenic. Experimental studies have shown that this missense change affects TARDBP function (PMID: 19465477, 22406069). Advanced modeling of protein sequence and biophysical properties (such as structural, functional, and spatial information, amino acid conservation, physicochemical variation, residue mobility, and thermodynamic stability) performed at Invitae indicates that this missense variant is not expected to disrupt TARDBP protein function. ClinVar contains an entry for this variant (Variation ID: 21467). This missense change has been observed in individuals with familial amyotrophic lateral sclerosis (PMID: 18802454, 20031275, 31124595; Invitae). This sequence change replaces asparagine, which is neutral and polar, with lysine, which is basic and polar, at codon 345 of the TARDBP protein (p.Asn345Lys).

Literature cited by the submitters: PubMed 19465477; PubMed 22406069; PubMed 18802454; PubMed 20031275; PubMed 31124595.

NM_007375.4(TARDBP):c.1035C>A (p.Asn345Lys)

Gene: TARDBP (TAR DNA binding protein; plus strand). Cytogenetic location: 1p36.22.
Variant type: single nucleotide variant.
Coding change: c.1035C>A on transcript NM_007375.4 (MANE Select); coding-DNA position 1035, C replaced by A.
Protein change: p.Asn345Lys; replaces asparagine 345 with lysine.
Molecular consequence: missense variant.
Genome position (GRCh38, 1-based): chr1:11,022,444, C>A. VCF-style: chr1-11022444-C-A. GRCh37 (hg19) VCF-style: chr1-11082501-C-A.
Other names: short protein forms N345K.
Identifiers: ClinVar variation 21467 (VCV000021467.10), dbSNP rs80356732, ClinGen allele CA17876327.